The following is an entry in ClinVar:

ClinVar aggregate classification (germline): Uncertain significance (1 of 4 stars; one submission).

Conditions:
Inborn genetic diseases. Identifiers: MedGen C0950123, MeSH D030342.

Submission:

Ambry Genetics
Classification: Uncertain significance for Inborn genetic diseases. Last evaluated: 2026-04-02. Review status: criteria provided, single submitter. Criteria: Ambry Variant Classification Scheme 2023. Collection method: clinical testing. Allele origin: germline.
Comment: The p.L1552H variant (also known as c.4655T>A), located in coding exon 18 of the FANCM gene, results from a T to A substitution at nucleotide position 4655. The leucine at codon 1552 is replaced by histidine, an amino acid with similar properties. This amino acid position is conserved. In addition, the in silico prediction for this alteration is inconclusive. Based on the available evidence, the clinical significance of this variant remains unclear.

NM_020937.4(FANCM):c.4655T>A (p.Leu1552His)

Gene: FANCM (FA complementation group M; plus strand). Cytogenetic location: 14q21.2.
Variant type: single nucleotide variant.
Coding change: c.4655T>A on transcript NM_020937.4 (MANE Select); coding-DNA position 4655, T replaced by A.
Protein change: p.Leu1552His; replaces leucine 1552 with histidine.
Molecular consequence: missense variant.
Genome position (GRCh38, 1-based): chr14:45,185,356, T>A. VCF-style: chr14-45185356-T-A. GRCh37 (hg19) VCF-style: chr14-45654559-T-A.
Other names: c.4577T>A, p.Leu1526His (NM_001308133.2); short protein forms L1526H, L1552H.
Identifiers: ClinVar variation 4871060 (VCV004871060.1).
Genomic context (GRCh38, chr14:45,185,356, plus strand): 5'-ATGAGTCAGAAAATGAACAAGATTCCTCATTACTTGACTTTTTAAATGATGAAACTCAAC[T>A]TTCACAGGCTATAAATGGTAAATGTTATAATGATCCTTAAAATTTTTTTCAATGTTTTTA-3'
Protein context (NP_065988.1, residues 1542-1562): LLDFLNDETQ[Leu1552His]SQAINDSEMR